The following is an entry in ClinVar:

NM_024422.6(DSC2):c.744T>C (p.Tyr248=)

Gene: DSC2 (desmocollin 2; minus strand). Cytogenetic location: 18q12.1.
Variant type: single nucleotide variant.
Coding change: c.744T>C on transcript NM_024422.6 (MANE Select); coding-DNA position 744, T replaced by C.
Protein change: p.Tyr248=; no amino-acid change (tyrosine 248 retained).
Molecular consequence: synonymous variant.
Genome position (GRCh38, 1-based): chr18:31,087,700, A>G on the plus strand (T>C on the coding strand, the complement: DSC2 is on the minus strand). VCF-style: chr18-31087700-A-G. GRCh37 (hg19) VCF-style: chr18-28667663-A-G.
Other names: c.744T>C, p.Tyr248= (NM_004949.5).
Identifiers: ClinVar variation 416268 (VCV000416268.17), dbSNP rs756495155, ClinGen allele CA039762.
Genomic context (GRCh38, chr18:31,087,700, plus strand): 5'-TGCCATATATTGTTTAAGGAGGTACTCACCCACTCTGCAATTTTCAAAAATTGTAAAAGT[A>G]TAAGTTTCTTCTGTAAAAATTGGGTAGTTATCATTTTCATCCTCTATTTTGATTATTAGG-3'
Protein context (NP_077740.1, residues 238-258): DNYPIFTEET[Tyr248=]TFTIFENCRV

ClinVar aggregate classification (germline): Likely benign. Review status: criteria provided, multiple submitters, no conflicts (2 of 4 stars). 5 submissions from 5 submitters: Likely benign (5). Last evaluated 2025-01-27.

Conditions:
Familial isolated arrhythmogenic right ventricular dysplasia. Identifiers: Orphanet 217656, MedGen C4274968, MONDO:0016342.
Cardiovascular phenotype. Identifiers: MedGen CN230736.
Arrhythmogenic right ventricular dysplasia 11. Also called: Arrhythmogenic Right Ventricular Dysplasia/Cardiomyopathy11; ARRHYTHMOGENIC RIGHT VENTRICULAR DYSPLASIA, FAMILIAL, 11; Arrhythmogenic right ventricular dysplasia 11 with mild palmoplantar keratoderma and woolly hair. Identifiers: MedGen C1864850, MONDO:0012506, OMIM 610476.

Allele frequency attached by ClinVar (database versions not stated): gnomAD exomes below 0.00001; ExAC 0.00001.
gnomAD v4.1: 18 of 1,613,286 alleles (0.0011%); highest among the groups gnomAD compares: Admixed American, 0.0017%; no homozygotes.

Submissions (5):

Labcorp Genetics (formerly Invitae), Labcorp
Classification: Likely benign for Arrhythmogenic right ventricular dysplasia 11. Last evaluated: 2025-01-27. Review status: criteria provided, single submitter. Criteria: Invitae Variant Classification Sherloc (09022015). Collection method: clinical testing. Allele origin: germline.

All of Us Research Program, National Institutes of Health
Classification: Likely benign for Familial isolated arrhythmogenic right ventricular dysplasia. Last evaluated: 2023-10-02. Review status: criteria provided, single submitter. Criteria: ACMG Guidelines, 2015. Collection method: clinical testing. Allele origin: germline. Inheritance: Autosomal dominant inheritance. Observed: 2 variant alleles, 2 heterozygotes.
Comment: This study involves interpretation of variants in research participants for the purpose of population health screening. Participant phenotype was not available at the time of variant classification. Additional details can be found in publication PMID: 35346344, PMCID: PMC8962531

Blueprint Genetics
Classification: Likely benign. Last evaluated: 2023-08-25. Review status: criteria provided, single submitter. Criteria: ACMG Guidelines, 2015. Collection method: clinical testing. Allele origin: germline.

Ambry Genetics
Classification: Likely benign for Cardiovascular phenotype. Last evaluated: 2022-08-03. Review status: criteria provided, single submitter. Criteria: Ambry Variant Classification Scheme 2023. Collection method: clinical testing. Allele origin: germline.

GeneDx
Classification: Likely benign. Last evaluated: 2020-11-18. Review status: criteria provided, single submitter. Criteria: GeneDx Variant Classification Process June 2021. Collection method: clinical testing. Allele origin: germline. Affected: yes.